The following is an entry in ClinVar:

NM_000091.5(COL4A3):c.-1C>T

Genes: COL4A3 (collagen type IV alpha 3 chain; plus strand), LOC129935730 (ATAC-STARR-seq lymphoblastoid silent region 12397; plus strand). Cytogenetic location: 2q36.3.
Variant type: single nucleotide variant.
Coding change: c.-1C>T on transcript NM_000091.5 (MANE Select); 1 bases upstream of the start codon, C replaced by T.
Molecular consequence: 5 prime UTR variant.
Genome position (GRCh38, 1-based): chr2:227,164,726, C>T. VCF-style: chr2-227164726-C-T. GRCh37 (hg19) VCF-style: chr2-228029442-C-T.
Identifiers: ClinVar variation 3384600 (VCV003384600.1).

ClinVar aggregate classification (germline): Uncertain significance (1 of 4 stars; one submission).

gnomAD v4.1: 94 of 1,530,346 alleles (0.0061%); highest among the groups gnomAD compares: Non-Finnish European, 0.0079%; no homozygotes.

Submission:

GeneDx
Classification: Uncertain significance. Last evaluated: 2024-06-05. Review status: criteria provided, single submitter. Criteria: GeneDx Variant Classification Process June 2021. Collection method: clinical testing. Allele origin: germline. Affected: yes.
Comment: Alters the Kozak sequence, which plays a major role in the initiation of translation; Has not been previously published as pathogenic or benign to our knowledge